The following is an entry in ClinVar:

ClinVar aggregate classification (germline): Likely benign. Review status: criteria provided, single submitter (1 of 4 stars). 2 submissions from 2 submitters: Likely benign (1). 1 of the submissions does not count toward it. Last evaluated 2023-03-23.

Conditions:
Hereditary cancer-predisposing syndrome. Also called: Tumor predisposition; Hereditary neoplastic syndrome; Hereditary Cancer Syndrome; Neoplastic Syndromes, Hereditary. Identifiers: Orphanet 140162, MedGen C0027672, MeSH D009386, MONDO:0015356.
Malignant tumor of breast. Also called: Malignant breast neoplasm; Cancer breast. Identifiers: MedGen C0006142, MONDO:0007254. Disease mechanism: loss of function.

Submissions (2):

University of Washington Department of Laboratory Medicine, University of Washington
Classification: Likely benign for Hereditary cancer-predisposing syndrome. Last evaluated: 2023-03-23. Review status: criteria provided, single submitter. Criteria: Dines et al. (Genet Med. 2020). Collection method: curation. Allele origin: germline.
Comment: Missense variant in a coldspot region where missense variants are very unlikely to be pathogenic (PMID:31911673).

BRCA2 exon 11 coldspot. Reclassification based on statistical prior probability.

Department of Pathology and Laboratory Medicine, Sinai Health System
Classification: Uncertain significance for Malignant tumor of breast. Review status: no assertion criteria provided. Collection method: clinical testing. Allele origin: unknown. Affected: yes. Observed: 1 variant allele. Study: The Canadian Open Genetics Repository (COGR). Not counted in ClinVar's aggregate classification.
Comment: The BRCA2 p.Asn1778Lys variant was not identified in the literature nor was it identified in the dbSNP, ClinVar, LOVD 3.0, and UMD-LSDB databases. The variant was not identified in the following control databases: the Exome Aggregation Consortium (August 8th 2016), or the Genome Aggregation Database (Feb 27, 2017). The p.Asn1778 residue is not conserved in mammals and computational analyses (PolyPhen-2, SIFT, AlignGVGD, BLOSUM, MutationTaster) do not suggest a high likelihood the variant Lys impacts the protein; however, this information is not predictive enough to rule out pathogenicity. The variant occurs outside of the splicing consensus sequence and in silico or computational prediction software programs (SpliceSiteFinder, MaxEntScan, NNSPLICE, GeneSplicer) do not predict a difference in splicing. In summary, based on the above information the clinical significance of this variant cannot be determined with certainty at this time. This variant is classified as a variant of uncertain significance.

NM_000059.4(BRCA2):c.5334T>A (p.Asn1778Lys)

Gene: BRCA2 (BRCA2 DNA repair associated; plus strand). Cytogenetic location: 13q13.1.
Variant type: single nucleotide variant.
Coding change: c.5334T>A on transcript NM_000059.4 (MANE Select); coding-DNA position 5334, T replaced by A.
Protein change: p.Asn1778Lys; replaces asparagine 1778 with lysine.
Molecular consequence: missense variant.
Genome position (GRCh38, 1-based): chr13:32,339,689, T>A. VCF-style: chr13-32339689-T-A. GRCh37 (hg19) VCF-style: chr13-32913826-T-A.
Other names: short protein forms N1778K.
Identifiers: ClinVar variation 1050653 (VCV001050653.4), dbSNP rs1566232224, ClinGen allele CA387784946.
Genomic context (GRCh38, chr13:32,339,689, plus strand): 5'-TGATTCAGGATATCTCTCAAAAAATAAACTTGATTCTGGTATTGAGCCAGTATTGAAGAA[T>A]GTTGAAGATCAAAAAAACACTAGTTTTTCCAAAGTAATATCCAATGTAAAAGATGCAAAT-3'
Protein context (NP_000050.3, residues 1768-1788): LDSGIEPVLK[Asn1778Lys]VEDQKNTSFS